The following is an entry in ClinVar:

NM_006767.4(LZTR1):c.98G>A (p.Ser33Asn)

Genes: LZTR1 (leucine zipper like post translational regulator 1; plus strand), LOC130067016 (ATAC-STARR-seq lymphoblastoid silent region 13504; plus strand). Cytogenetic location: 22q11.21.
Variant type: single nucleotide variant.
Coding change: c.98G>A on transcript NM_006767.4 (MANE Select); coding-DNA position 98, G replaced by A.
Protein change: p.Ser33Asn; replaces serine 33 with asparagine.
Molecular consequence: missense variant.
Genome position (GRCh38, 1-based): chr22:20,982,469, G>A. VCF-style: chr22-20982469-G-A. GRCh37 (hg19) VCF-style: chr22-21336758-G-A.
Other names: short protein forms S33N.
Identifiers: ClinVar variation 5023725 (VCV005023725.1).

ClinVar aggregate classification (germline): Uncertain significance (1 of 4 stars; one submission).

Conditions:
Cardiovascular phenotype. Identifiers: MedGen CN230736.
Hereditary cancer-predisposing syndrome. Also called: Neoplastic Syndromes, Hereditary; Tumor predisposition; Hereditary neoplastic syndrome; Hereditary Cancer Syndrome. Identifiers: Orphanet 140162, MedGen C0027672, MeSH D009386, MONDO:0015356.

Submission:

Ambry Genetics
Classification: Uncertain significance for Cardiovascular phenotype; Hereditary cancer-predisposing syndrome. Last evaluated: 2026-08-17. Review status: criteria provided, single submitter. Criteria: Ambry Variant Classification Scheme 2023. Collection method: clinical testing. Allele origin: germline.
Comment: The p.S33N variant (also known as c.98G>A), located in coding exon 1 of the LZTR1 gene, results from a G to A substitution at nucleotide position 98. The serine at codon 33 is replaced by asparagine, an amino acid with highly similar properties. This amino acid position is conserved. In addition, this alteration is predicted to be tolerated by in silico analysis. Based on the available evidence, the clinical significance of this variant remains unclear.